The following is an entry in ClinVar:

ClinVar aggregate classification (germline): Benign/Likely benign. Review status: criteria provided, multiple submitters, no conflicts (2 of 4 stars). 2 submissions from 2 submitters: Benign (1); Likely benign (1). Last evaluated 2026-07-01.

Allele frequency attached by ClinVar (database versions not stated): gnomAD exomes 0.00008 and 0.00016; ExAC 0.00015; gnomAD 0.00015 and 0.00017; TOPMed 0.00016; ESP Exome Variant Server 0.00023.
gnomAD v4.1: 149 of 1,614,052 alleles (0.0092%); highest among the groups gnomAD compares: Middle Eastern, 0.049%; no homozygotes.

Submissions (2):

CeGaT Center for Human Genetics Tuebingen
Classification: Likely benign. Last evaluated: 2026-07-01. Review status: criteria provided, single submitter. Criteria: CeGaT Center For Human Genetics Tuebingen Variant Classification Criteria Version 2. Collection method: clinical testing. Allele origin: germline. Affected: yes. Observed: 1 variant allele.
Comment: SIN3A: BP4, BP7

Labcorp Genetics (formerly Invitae), Labcorp
Classification: Benign. Last evaluated: 2024-12-24. Review status: criteria provided, single submitter. Criteria: Invitae Variant Classification Sherloc (09022015). Collection method: clinical testing. Allele origin: germline.

NM_001145358.2(SIN3A):c.126A>G (p.Glu42=)

Gene: SIN3A (SIN3 transcription regulator family member A; minus strand). Cytogenetic location: 15q24.2.
Variant type: single nucleotide variant.
Coding change: c.126A>G on transcript NM_001145358.2 (MANE Select); coding-DNA position 126, A replaced by G.
Protein change: p.Glu42=; no amino-acid change (glutamic acid 42 retained).
Molecular consequence: synonymous variant.
Genome position (GRCh38, 1-based): chr15:75,430,250, T>C on the plus strand (A>G on the coding strand, the complement: SIN3A is on the minus strand). VCF-style: chr15-75430250-T-C. GRCh37 (hg19) VCF-style: chr15-75722591-T-C.
Other names: c.126A>G, p.Glu42= (NM_001145357.2, NM_015477.3).
Identifiers: ClinVar variation 757520 (VCV000757520.9), dbSNP rs147020699, ClinGen allele CA7667972.